The following is an entry in ClinVar:

ClinVar aggregate classification (germline): Uncertain significance. Review status: criteria provided, multiple submitters, no conflicts (2 of 4 stars). 4 submissions from 4 submitters: Uncertain significance (4). Last evaluated 2025-07-07.

Conditions:
Classic or attenuated familial adenomatous polyposis. Identifiers: MedGen CN372698, MONDO:0021057.
Hereditary cancer-predisposing syndrome. Also called: Neoplastic Syndromes, Hereditary; Tumor predisposition; Hereditary Cancer Syndrome; Hereditary neoplastic syndrome. Identifiers: Orphanet 140162, MedGen C0027672, MeSH D009386, MONDO:0015356.
Familial adenomatous polyposis 1 (FAP1). Also called: POLYPOSIS, ADENOMATOUS INTESTINAL; FAMILIAL ADENOMATOUS POLYPOSIS 1, ATTENUATED. Identifiers: MedGen C2713442, MONDO:0021056, OMIM 175100. Disease mechanism: loss of function.

gnomAD v4.1: 1 of 1,613,906 alleles (0.000062%); no homozygotes.

Submissions (4):

Labcorp Genetics (formerly Invitae), Labcorp
Classification: Uncertain significance for Familial adenomatous polyposis 1. Last evaluated: 2025-07-07. Review status: criteria provided, single submitter. Criteria: Invitae Variant Classification Sherloc (09022015). Collection method: clinical testing. Allele origin: germline.
Comment: This sequence change replaces serine, which is neutral and polar, with threonine, which is neutral and polar, at codon 2031 of the APC protein (p.Ser2031Thr). This variant is not present in population databases (gnomAD no frequency). This variant has not been reported in the literature in individuals affected with APC-related conditions. ClinVar contains an entry for this variant (Variation ID: 640566). Invitae Evidence Modeling of protein sequence and biophysical properties (such as structural, functional, and spatial information, amino acid conservation, physicochemical variation, residue mobility, and thermodynamic stability) indicates that this missense variant is not expected to disrupt APC protein function with a negative predictive value of 95%. In summary, the available evidence is currently insufficient to determine the role of this variant in disease. Therefore, it has been classified as a Variant of Uncertain Significance.

Ambry Genetics
Classification: Uncertain significance for Hereditary cancer-predisposing syndrome. Last evaluated: 2024-07-28. Review status: criteria provided, single submitter. Criteria: Ambry Variant Classification Scheme 2023. Collection method: clinical testing. Allele origin: germline.
Comment: The p.S2031T variant (also known as c.6092G>C), located in coding exon 15 of the APC gene, results from a G to C substitution at nucleotide position 6092. The serine at codon 2031 is replaced by threonine, an amino acid with similar properties. This amino acid position is conserved. In addition, in silico predictors for this gene do not accurately predict pathogenicity. Based on the available evidence, the clinical significance of this variant remains unclear.

All of Us Research Program, National Institutes of Health
Classification: Uncertain significance for Classic or attenuated familial adenomatous polyposis. Last evaluated: 2023-10-23. Review status: criteria provided, single submitter. Criteria: ACMG Guidelines, 2015. Collection method: clinical testing. Allele origin: germline. Inheritance: Autosomal dominant inheritance. Observed: 1 variant allele, 1 heterozygote.
Comment: This missense variant replaces serine with threonine at codon 2031 of the APC protein. Computational prediction suggests that this variant may not impact protein structure and function (internally defined REVEL score threshold <= 0.5, PMID: 27666373). To our knowledge, functional studies have not been reported for this variant. This variant has not been reported in individuals affected with APC-related disorders in the literature. This variant has not been identified in the general population by the Genome Aggregation Database (gnomAD). The available evidence is insufficient to determine the role of this variant in disease conclusively. Therefore, this variant is classified as a Variant of Uncertain Significance.

This study involves interpretation of variants in research participants for the purpose of population health screening. Participant phenotype was not available at the time of variant classification. Additional details can be found in publication PMID: 35346344, PMCID: PMC8962531

Color Diagnostics, LLC DBA Color Health
Classification: Uncertain significance for Hereditary cancer-predisposing syndrome. Last evaluated: 2023-02-15. Review status: criteria provided, single submitter. Criteria: ACMG Guidelines, 2015. Collection method: clinical testing. Allele origin: germline.
Comment: This missense variant replaces serine with threonine at codon 2031 of the APC protein. Computational prediction suggests that this variant may not impact protein structure and function (internally defined REVEL score threshold <= 0.5, PMID: 27666373). To our knowledge, functional studies have not been reported for this variant. This variant has not been reported in individuals affected with APC-related disorders in the literature. This variant has not been identified in the general population by the Genome Aggregation Database (gnomAD). The available evidence is insufficient to determine the role of this variant in disease conclusively. Therefore, this variant is classified as a Variant of Uncertain Significance.

NM_000038.6(APC):c.6092G>C (p.Ser2031Thr)

Gene: APC (APC regulator of Wnt signaling pathway; plus strand). Cytogenetic location: 5q22.2.
Variant type: single nucleotide variant.
Coding change: c.6092G>C on transcript NM_000038.6 (MANE Select); coding-DNA position 6092, G replaced by C.
Protein change: p.Ser2031Thr; replaces serine 2031 with threonine.
Molecular consequence: missense variant.
Genome position (GRCh38, 1-based): chr5:112,841,686, G>C. VCF-style: chr5-112841686-G-C. GRCh37 (hg19) VCF-style: chr5-112177383-G-C.
Other names: c.6092G>C, p.Ser2031Thr (NM_001127510.3, NM_001354895.2); c.6038G>C, p.Ser2013Thr (NM_001127511.3); c.6146G>C, p.Ser2049Thr (NM_001354896.2); c.6122G>C, p.Ser2041Thr (NM_001354897.2); c.6017G>C, p.Ser2006Thr (NM_001354898.2); c.6008G>C, p.Ser2003Thr (NM_001354899.2); c.5969G>C, p.Ser1990Thr (NM_001354900.2); c.5915G>C, p.Ser1972Thr (NM_001354901.2); and 5 more; short protein forms S1930T, S2041T, S1940T, S1871T, S1972T, S2006T, S2013T, S1748T.
Identifiers: ClinVar variation 640566 (VCV000640566.15), dbSNP rs1580667450, ClinGen allele CA16034665.